The following is an entry in ClinVar:

NM_032383.5(HPS3):c.823G>A (p.Glu275Lys)

Gene: HPS3 (HPS3 biogenesis of lysosomal organelles complex 2 subunit 1; plus strand). Cytogenetic location: 3q24.
Variant type: single nucleotide variant.
Coding change: c.823G>A on transcript NM_032383.5 (MANE Select); coding-DNA position 823, G replaced by A.
Protein change: p.Glu275Lys; replaces glutamic acid 275 with lysine.
Molecular consequence: missense variant.
Genome position (GRCh38, 1-based): chr3:149,141,127, G>A. VCF-style: chr3-149141127-G-A. GRCh37 (hg19) VCF-style: chr3-148858914-G-A.
Other names: c.328G>A, p.Glu110Lys (NM_001308258.2); short protein forms E275K, E110K.
Identifiers: ClinVar variation 226655 (VCV000226655.28), dbSNP rs34388030, ClinGen allele CA2659885.

ClinVar aggregate classification (germline): Benign/Likely benign. Review status: criteria provided, multiple submitters, no conflicts (2 of 4 stars). 9 submissions from 9 submitters: Benign (5); Likely benign (2). 2 of the submissions do not count toward it. Last evaluated 2026-02-04.

Conditions:
Hermansky-Pudlak syndrome (HPS). Also called: ALBINISM WITH HEMORRHAGIC DIATHESIS AND PIGMENTED RETICULOENDOTHELIAL CELLS. Identifiers: Orphanet 79430, MedGen C0079504, MONDO:0019312.
Hermansky-Pudlak syndrome 3 (HPS3). Identifiers: Orphanet 231512, Orphanet 79430, MedGen C3888001, MONDO:0013555, OMIM 614072.

Allele frequency attached by ClinVar (database versions not stated): gnomAD exomes 0.00137; ExAC 0.00180; gnomAD 0.00553 and 0.00590; TOPMed 0.00573; ESP Exome Variant Server 0.00654; 1000 Genomes Project 0.00659; 1000 Genomes Project 30x 0.00671.
gnomAD v4.1: 1,611 of 1,613,236 alleles (0.1%); highest among the groups gnomAD compares: African/African-American, 2%; 15 homozygotes.

Submissions (9):

Labcorp Genetics (formerly Invitae), Labcorp
Classification: Benign. Last evaluated: 2026-02-04. Review status: criteria provided, single submitter. Criteria: Invitae Variant Classification Sherloc (09022015). Collection method: clinical testing. Allele origin: germline.

Blueprint Genetics
Classification: Likely benign. Last evaluated: 2024-10-08. Review status: criteria provided, single submitter. Criteria: ACMG Guidelines, 2015. Collection method: clinical testing. Allele origin: germline.

Mayo Clinic Laboratories, Mayo Clinic
Classification: Benign. Last evaluated: 2024-06-12. Review status: criteria provided, single submitter. Criteria: ACMG Guidelines, 2015. Collection method: clinical testing. Allele origin: germline. Observed: 2 variant alleles.
Comment: BS1, BS2, BP4

Genetic Services Laboratory, University of Chicago
Classification: Benign. Last evaluated: 2019-10-31. Review status: criteria provided, single submitter. Criteria: ACMG Guidelines, 2015. Collection method: clinical testing. Allele origin: germline. Affected: no.

Illumina Laboratory Services, Illumina
Classification: Benign for Hermansky-Pudlak syndrome 3. Last evaluated: 2018-01-13. Review status: criteria provided, single submitter. Criteria: ICSL Variant Classification Criteria 13 December 2019. Collection method: clinical testing. Allele origin: germline.
Comment: This variant was observed in the ICSL laboratory as part of a predisposition screen in an ostensibly healthy population. It had not been previously curated by ICSL or reported in the Human Gene Mutation Database (HGMD: prior to June 1st, 2018), and was therefore a candidate for classification through an automated scoring system. Utilizing variant allele frequency, disease prevalence and penetrance estimates, and inheritance mode, an automated score was calculated to assess if this variant is too frequent to cause the disease. Based on the score and internal cut-off values, a variant classified as benign is not then subjected to further curation. The score for this variant resulted in a classification of benign for this disease.

Laboratory for Molecular Medicine, Mass General Brigham Personalized Medicine
Classification: Benign. Last evaluated: 2013-02-21. Review status: criteria provided, single submitter. Criteria: LMM Criteria. Collection method: clinical testing. Allele origin: germline. Observed: 1 variant allele.
Comment: Glu275Lys in exon 3 of HPS3: This variant is not expected to have clinical signi ficance because it has been identified in 1.9% (84/4406) of African American chr omosomes from a broad population by the NHLBI Exome Sequencing Project (dbSNP rs34388030).

Breakthrough Genomics
Classification: Likely benign. Review status: criteria provided, single submitter. Criteria: ACMG Guidelines, 2015. Collection method: not provided. Allele origin: germline. Inheritance: Autosomal recessive inheritance. Affected: yes.

Natera, Inc.
Classification: Benign for Hermansky-Pudlak syndrome. Last evaluated: 2019-11-11. Review status: no assertion criteria provided. Collection method: clinical testing. Allele origin: germline. Not counted in ClinVar's aggregate classification.

Counsyl
Classification: Likely benign for Hermansky-Pudlak syndrome 3. Last evaluated: 2017-03-16. Review status: no assertion criteria provided. Collection method: clinical testing. Allele origin: unknown. Not counted in ClinVar's aggregate classification.